The following is an entry in ClinVar:

NM_004991.4(MECOM):c.2644T>G (p.Phe882Val)

Gene: MECOM (MDS1 and EVI1 complex locus; minus strand). Cytogenetic location: 3q26.2.
Variant type: single nucleotide variant.
Coding change: c.2644T>G on transcript NM_004991.4 (MANE Select); coding-DNA position 2644, T replaced by G.
Protein change: p.Phe882Val; replaces phenylalanine 882 with valine.
Molecular consequence: missense variant.
Genome position (GRCh38, 1-based): chr3:169,102,187, A>C on the plus strand (T>G on the coding strand, the complement: MECOM is on the minus strand). VCF-style: chr3-169102187-A-C. GRCh37 (hg19) VCF-style: chr3-168819975-A-C.
Other names: c.2275T>G, p.Phe759Val (NM_001105077.4); c.2080T>G, p.Phe694Val (NM_001105078.4, NM_001205194.2, NM_001366469.2 and 1 more transcripts); c.2056T>G, p.Phe686Val (NM_001163999.2, NM_001366470.2); c.2053T>G, p.Phe685Val (NM_001164000.2, NM_001366471.2, NM_001366472.2); c.2617T>G, p.Phe873Val (NM_001366466.2); c.2083T>G, p.Phe695Val (NM_001366467.2, NM_001366468.2); c.1645T>G, p.Phe549Val (NM_001366473.2); c.1081T>G, p.Phe361Val (NM_001366474.2); short protein forms F685V, F694V, F361V, F873V, F549V, F695V, F882V, F686V.
Identifiers: ClinVar variation 5024182 (VCV005024182.1).
Genomic context (GRCh38, chr3:169,102,187, plus strand): 5'-AGTTGAACATAGAGGGCACTGACTGTAAGAGCTCACTGGCCTCAGGTTTCAGGGCACTGA[A>C]GCTCTCTAGCTTTTCTGCCATGTTTTCAATAGCTGACATCTGAAAGGTAAAAGCACAAGA-3'
Protein context (NP_004982.2, residues 872-892): IENMAEKLES[Phe882Val]SALKPEASEL

ClinVar aggregate classification (germline): Uncertain significance (1 of 4 stars; one submission).

Conditions:
Inborn genetic diseases. Identifiers: MedGen C0950123, MeSH D030342.

Submission:

Ambry Genetics
Classification: Uncertain significance for Inborn genetic diseases. Last evaluated: 2026-08-12. Review status: criteria provided, single submitter. Criteria: Ambry Variant Classification Scheme 2023. Collection method: clinical testing. Allele origin: germline.
Comment: The p.F882V variant (also known as c.2644T>G), located in coding exon 11 of the MECOM gene, results from a T to G substitution at nucleotide position 2644. The phenylalanine at codon 882 is replaced by valine, an amino acid with highly similar properties. This amino acid position is conserved. In addition, the in silico prediction for this alteration is inconclusive. Based on the available evidence, the clinical significance of this variant remains unclear.